The following is an entry in ClinVar:

ClinVar aggregate classification (germline): Uncertain significance (1 of 4 stars; one submission).

Conditions:
COG7 congenital disorder of glycosylation (CDG2E). Also called: CONGENITAL DISORDER OF GLYCOSYLATION, TYPE IIe; CDG IIe. Identifiers: Orphanet 79333, MedGen C2931010, MONDO:0012118, OMIM 608779.

gnomAD v4.1: 2 of 1,614,102 alleles (0.00012%); highest among the groups gnomAD compares: Non-Finnish European, 0.00017%; no homozygotes.

Submission:

Labcorp Genetics (formerly Invitae), Labcorp
Classification: Uncertain significance for COG7 congenital disorder of glycosylation. Last evaluated: 2023-07-11. Review status: criteria provided, single submitter. Criteria: Invitae Variant Classification Sherloc (09022015). Collection method: clinical testing. Allele origin: germline.
Comment: This sequence change replaces alanine, which is neutral and non-polar, with serine, which is neutral and polar, at codon 763 of the COG7 protein (p.Ala763Ser). This variant is not present in population databases (gnomAD no frequency). This variant has not been reported in the literature in individuals affected with COG7-related conditions. Advanced modeling of protein sequence and biophysical properties (such as structural, functional, and spatial information, amino acid conservation, physicochemical variation, residue mobility, and thermodynamic stability) performed at Invitae indicates that this missense variant is not expected to disrupt COG7 protein function. In summary, the available evidence is currently insufficient to determine the role of this variant in disease. Therefore, it has been classified as a Variant of Uncertain Significance.

NM_153603.4(COG7):c.2287G>T (p.Ala763Ser)

Gene: COG7 (component of oligomeric golgi complex 7; minus strand). Cytogenetic location: 16p12.2.
Variant type: single nucleotide variant.
Coding change: c.2287G>T on transcript NM_153603.4 (MANE Select); coding-DNA position 2287, G replaced by T.
Protein change: p.Ala763Ser; replaces alanine 763 with serine.
Molecular consequence: missense variant.
Genome position (GRCh38, 1-based): chr16:23,388,946, C>A on the plus strand (G>T on the coding strand, the complement: COG7 is on the minus strand). VCF-style: chr16-23388946-C-A. GRCh37 (hg19) VCF-style: chr16-23400267-C-A.
Other names: short protein forms A763S.
Identifiers: ClinVar variation 2869586 (VCV002869586.3), dbSNP rs1390797306, ClinGen allele CA395115758.